The following is an entry in ClinVar:

ClinVar aggregate classification (germline): Uncertain significance (1 of 4 stars; one submission).

Conditions:
Achondrogenesis, type IA (ACG1A). Identifiers: Orphanet 932, Orphanet 93299, MedGen C0265273, MONDO:0008701, OMIM 200600.

Submission:

Labcorp Genetics (formerly Invitae), Labcorp
Classification: Uncertain significance for Achondrogenesis, type IA. Last evaluated: 2022-06-27. Review status: criteria provided, single submitter. Criteria: Invitae Variant Classification Sherloc (09022015). Collection method: clinical testing. Allele origin: germline.
Comment: In summary, the available evidence is currently insufficient to determine the role of this variant in disease. Therefore, it has been classified as a Variant of Uncertain Significance. Algorithms developed to predict the effect of missense changes on protein structure and function are either unavailable or do not agree on the potential impact of this missense change (SIFT: "Not Available"; PolyPhen-2: "Probably Damaging"; Align-GVGD: "Not Available"). This variant has not been reported in the literature in individuals affected with TRIP11-related conditions. This variant is not present in population databases (gnomAD no frequency). This sequence change replaces aspartic acid with tyrosine at codon 962 of the TRIP11 protein (p.Asp962Tyr). The aspartic acid residue is moderately conserved and there is a large physicochemical difference between aspartic acid and tyrosine.

NM_004239.4(TRIP11):c.2884G>T (p.Asp962Tyr)

Gene: TRIP11 (thyroid hormone receptor interactor 11; minus strand). Cytogenetic location: 14q32.12.
Variant type: single nucleotide variant.
Coding change: c.2884G>T on transcript NM_004239.4 (MANE Select); coding-DNA position 2884, G replaced by T.
Protein change: p.Asp962Tyr; replaces aspartic acid 962 with tyrosine.
Molecular consequence: missense variant.
Genome position (GRCh38, 1-based): chr14:92,005,092, C>A on the plus strand (G>T on the coding strand, the complement: TRIP11 is on the minus strand). VCF-style: chr14-92005092-C-A. GRCh37 (hg19) VCF-style: chr14-92471436-C-A.
Other names: c.2881G>T, p.Asp961Tyr (NM_001321851.1); short protein forms D961Y, D962Y.
Identifiers: ClinVar variation 1356507 (VCV001356507.6), dbSNP rs2140118037, ClinGen allele CA390655452.